The following is an entry in ClinVar:

ClinVar aggregate classification (germline): Likely benign. Review status: criteria provided, multiple submitters, no conflicts (2 of 4 stars). 2 submissions from 2 submitters: Likely benign (2). Last evaluated 2025-12-31.

Allele frequency attached by ClinVar (database versions not stated): gnomAD 0.00001; TOPMed 0.00001; ExAC 0.00002.
gnomAD v4.1: 67 of 1,613,714 alleles (0.0042%); highest among the groups gnomAD compares: Admixed American, 0.0067%; no homozygotes.

Submissions (2):

Labcorp Genetics (formerly Invitae), Labcorp
Classification: Likely benign. Last evaluated: 2025-12-31. Review status: criteria provided, single submitter. Criteria: Invitae Variant Classification Sherloc (09022015). Collection method: clinical testing. Allele origin: germline.

GeneDx
Classification: Likely benign. Last evaluated: 2018-12-07. Review status: criteria provided, single submitter. Criteria: GeneDx Variant Classification Process June 2021. Collection method: clinical testing. Allele origin: germline. Affected: yes.
Comment: This variant is associated with the following publications: (PMID: 28492532)

NM_000391.4(TPP1):c.123G>A (p.Ala41=)

Gene: TPP1 (tripeptidyl peptidase 1; minus strand). Cytogenetic location: 11p15.4.
Variant type: single nucleotide variant.
Coding change: c.123G>A on transcript NM_000391.4 (MANE Select); coding-DNA position 123, G replaced by A.
Protein change: p.Ala41=; no amino-acid change (alanine 41 retained).
Molecular consequence: synonymous variant.
Genome position (GRCh38, 1-based): chr11:6,618,882, C>T on the plus strand (G>A on the coding strand, the complement: TPP1 is on the minus strand). VCF-style: chr11-6618882-C-T. GRCh37 (hg19) VCF-style: chr11-6640113-C-T.
Identifiers: ClinVar variation 378754 (VCV000378754.10), dbSNP rs747260298, ClinGen allele CA5859046.